The following is an entry in ClinVar:

ClinVar aggregate classification (germline): Uncertain significance (1 of 4 stars; one submission).

gnomAD v4.1: 28 of 1,608,968 alleles (0.0017%); highest among the groups gnomAD compares: Admixed American, 0.014%; no homozygotes.

Submission:

GeneDx
Classification: Uncertain significance. Last evaluated: 2026-02-18. Review status: criteria provided, single submitter. Criteria: GeneDx Variant Classification Process June 2021. Collection method: clinical testing. Allele origin: germline.
Comment: In silico analysis supports that this missense variant has a deleterious effect on protein structure/function; Has not been previously published as pathogenic or benign to our knowledge

NM_015721.3(GEMIN4):c.2438C>T (p.Thr813Met)

Gene: GEMIN4 (gem nuclear organelle associated protein 4; minus strand). Cytogenetic location: 17p13.3.
Variant type: single nucleotide variant.
Coding change: c.2438C>T on transcript NM_015721.3 (MANE Select); coding-DNA position 2438, C replaced by T.
Protein change: p.Thr813Met; replaces threonine 813 with methionine.
Molecular consequence: missense variant.
Genome position (GRCh38, 1-based): chr17:745,605, G>A on the plus strand (C>T on the coding strand, the complement: GEMIN4 is on the minus strand). VCF-style: chr17-745605-G-A. GRCh37 (hg19) VCF-style: chr17-648845-G-A.
Other names: short protein forms T813M.
Identifiers: ClinVar variation 5009584 (VCV005009584.1).